The following is an entry in ClinVar:

ClinVar aggregate classification (germline): Uncertain significance (1 of 4 stars; one submission).

Submission:

Labcorp Genetics (formerly Invitae), Labcorp
Classification: Uncertain significance. Last evaluated: 2024-10-25. Review status: criteria provided, single submitter. Criteria: Invitae Variant Classification Sherloc (09022015). Collection method: clinical testing. Allele origin: germline.
Comment: This variant, c.101_106dup, results in the insertion of 2 amino acid(s) of the ADGRA3 protein (p.Gly34_Gly35dup), but otherwise preserves the integrity of the reading frame. The frequency data for this variant in the population databases is considered unreliable, as metrics indicate insufficient coverage at this position in the gnomAD database. This variant has not been reported in the literature in individuals affected with ADGRA3-related conditions. Experimental studies and prediction algorithms are not available or were not evaluated, and the functional significance of this variant is currently unknown. In summary, the available evidence is currently insufficient to determine the role of this variant in disease. Therefore, it has been classified as a Variant of Uncertain Significance.

NM_145290.4(ADGRA3):c.89GCG[8] (p.Gly34_Gly35dup)

Gene: ADGRA3 (adhesion G protein-coupled receptor A3; minus strand). Cytogenetic location: 4p15.2.
Variant type: Microsatellite.
Coding change: c.89GCG[8] on transcript NM_145290.4 (MANE Select); eight copies in a row of the 3-base unit GCG starting at c.89; the reference has six copies in a row; two copies, 6 bases duplicated.
Protein change: p.Gly34_Gly35dup.
Molecular consequence: inframe insertion.
Genome position (GRCh38, 1-based): chr4:22,515,679-22,515,684, CGCCGC duplicated on the plus strand (GCGGCG on the coding strand, the reverse complement: ADGRA3 is on the minus strand); duplicating any 6 consecutive bases within chr4:22,515,679-22,515,697 gives the same sequence; the position shown is the placement nearest the transcript's 3' end. VCF-style (leftmost placement, unchanged base first): chr4-22515678-G-GCGCCGC. GRCh37 (hg19) VCF-style: chr4-22517301-G-GCGCCGC.
Identifiers: ClinVar variation 1513967 (VCV001513967.6), dbSNP rs769005255, ClinGen allele CA94061038.
Genomic context (GRCh38, chr4:22,515,678, plus strand): 5'-GCCGCCCTGCCAGCCCCTCGGGGCCGCCCATCGTGCTTGCAGCCGGCGGGCAGCGCCGCG[G>GCGCCGC]CGCCGCCGCCGCCGCCGCCTCCCAGCAGCGCGAGCAGCGCTAACAGCGAGAGCGGCAGCA-3'